The following is an entry in ClinVar:

ClinVar aggregate classification (germline): Pathogenic (3 of 4 stars; one submission).

Conditions:
Hereditary factor IX deficiency disease (HEMB). Also called: F9 DEFICIENCY; FACTOR IX DEFICIENCY; PLASMA THROMBOPLASTIN COMPONENT DEFICIENCY; Hemophilia B; Christmas Disease. Identifiers: Orphanet 98879, MedGen C0008533, MeSH D002836, MONDO:0010604, OMIM 306900.

Submission:

ClinGen Coagulation Factor Deficiency Variant Curation Expert Panel, Clingen
Classification: Pathogenic for Hereditary factor IX deficiency disease. Last evaluated: 2025-10-03. Review status: reviewed by expert panel. Criteria: ClinGen CoagFactor ACMG Specifications F9 V1.0.0. Collection method: curation. Allele origin: germline. Inheritance: X-linked inheritance.
Comment: The c.803G>A (NM_000133.4) variant in F9 is a missense variant predicted to cause substitution of cysteine by tyrosine at amino acid 268 (p.Cys268Tyr). This variant is absent from males in population databases (gnomAD v2.1.1/gnomAD v3.1/ gnomAD v4.1.0), meeting PM2_Supporting. The computational predictor REVEL gives a score of 0.989, which is above the threshold of 0.6, evidence that correlates with impact to F9 function, meeting PP3. In summary, this variant meets criteria to be classified as pathogenic. ACMG/AMP criteria applied, as specified by the Coagulation Factor Deficiency Variant Curation Expert Panel for F9: PS2_Very Strong, PS4, PM2_Supporting, PP3. (ClinGen Coagulation Factor Deficiency Expert Panel Specifications to the ACMG/AMP Variant Interpretation Guidelines for F9 Version 1.0.0., Released 10/5/2023)

NM_000133.4(F9):c.803G>A (p.Cys268Tyr)

Gene: F9 (coagulation factor IX; plus strand). Cytogenetic location: Xq27.1.
Variant type: single nucleotide variant.
Coding change: c.803G>A on transcript NM_000133.4 (MANE Select); coding-DNA position 803, G replaced by A.
Protein change: p.Cys268Tyr; replaces cysteine 268 with tyrosine.
Molecular consequence: missense variant.
Genome position (GRCh38, 1-based): chrX:139,560,820, G>A. VCF-style: chrX-139560820-G-A. GRCh37 (hg19) VCF-style: chrX-138642979-G-A.
Other names: NM_001313913.2:c.689G>A; c.689G>A, p.Cys230Tyr (NM_001313913.2); short protein forms C230Y, C268Y.
Identifiers: ClinVar variation 4686605 (VCV004686605.1).